The following is an entry in ClinVar:

ClinVar aggregate classification (germline): Pathogenic/Likely pathogenic. Review status: criteria provided, multiple submitters, no conflicts (2 of 4 stars). 2 submissions from 2 submitters: Pathogenic (1); Likely pathogenic (1). Last evaluated 2025-07-18.

Conditions:
Neuronal ceroid lipofuscinosis. Also called: Neuronal Ceroid Lipofuscinoses. Identifiers: Orphanet 216, Orphanet 79263, MedGen C0027877, MONDO:0016295. Disease mechanism: loss of function.
Neuronal ceroid lipofuscinosis 3 (CLN3). Identifiers: Orphanet 228346, MedGen C0751383, MONDO:0008767, OMIM 204200.

Submissions (2):

Labcorp Genetics (formerly Invitae), Labcorp
Classification: Pathogenic for Neuronal ceroid lipofuscinosis. Last evaluated: 2025-07-18. Review status: criteria provided, single submitter. Criteria: Invitae Variant Classification Sherloc (09022015). Collection method: clinical testing. Allele origin: germline.
Comment: This sequence change creates a premature translational stop signal (p.Trp283*) in the CLN3 gene. It is expected to result in an absent or disrupted protein product. Loss-of-function variants in CLN3 are known to be pathogenic (PMID: 9311735, 28542676). This variant is not present in population databases (gnomAD no frequency). This variant has not been reported in the literature in individuals affected with CLN3-related conditions. ClinVar contains an entry for this variant (Variation ID: 2680817). Algorithms developed to predict the effect of sequence changes on RNA splicing suggest that this variant may disrupt the consensus splice site. For these reasons, this variant has been classified as Pathogenic.

Baylor Genetics
Classification: Likely pathogenic for Neuronal ceroid lipofuscinosis 3. Last evaluated: 2023-08-26. Review status: criteria provided, single submitter. Criteria: ACMG Guidelines, 2015. Collection method: clinical testing. Allele origin: unknown.

Literature cited by the submitters: PubMed 9311735 (cited by Labcorp Genetics (formerly Invitae), Labcorp); PubMed 28542676 (cited by Labcorp Genetics (formerly Invitae), Labcorp).

NM_001042432.2(CLN3):c.849G>A (p.Trp283Ter)

Gene: CLN3 (CLN3 lysosomal/endosomal transmembrane protein, battenin; minus strand). Cytogenetic location: 16p12.1.
Variant type: single nucleotide variant.
Coding change: c.849G>A on transcript NM_001042432.2 (MANE Select); coding-DNA position 849, G replaced by A.
Protein change: p.Trp283Ter; replaces tryptophan 283 with a stop codon.
Molecular consequence: nonsense.
Genome position (GRCh38, 1-based): chr16:28,482,534, C>T on the plus strand (G>A on the coding strand, the complement: CLN3 is on the minus strand). VCF-style: chr16-28482534-C-T. GRCh37 (hg19) VCF-style: chr16-28493855-C-T.
Other names: c.849G>A, p.Trp283Ter (NM_000086.2); c.777G>A, p.Trp259Ter (NM_001286104.2); c.549G>A, p.Trp183Ter (NM_001286105.2); c.615G>A, p.Trp205Ter (NM_001286109.2); c.687G>A, p.Trp229Ter (NM_001286110.2); short protein forms W183*, W205*, W229*, W259*, W283*.
Identifiers: ClinVar variation 2680817 (VCV002680817.2), dbSNP rs1064795226, ClinGen allele CA395344507.